The following is an entry in ClinVar:

ClinVar aggregate classification (germline): Conflicting classifications of pathogenicity. Review status: criteria provided, conflicting classifications (1 of 4 stars). 2 submissions from 2 submitters: Uncertain significance (1); Likely benign (1). Last evaluated 2024-10-27.

Conditions:
Inborn genetic diseases. Identifiers: MedGen C0950123, MeSH D030342.
Autosomal dominant nocturnal frontal lobe epilepsy 5. Also called: Epilepsy, nocturnal frontal lobe, 5; CILIARY DYSKINESIA, PRIMARY, 28, WITHOUT SITUS INVERSUS; CILIARY DYSKINESIA, PRIMARY, 28, WITH SITUS INVERSUS; KCNT1-Related Epilepsy. Identifiers: Orphanet 98784, MedGen C3554306, MONDO:0014002, OMIM 615005.
Developmental and epileptic encephalopathy, 14 (DEE14). Also called: Early infantile epileptic encephalopathy 14. Identifiers: Orphanet 293181, MedGen C3554195, MONDO:0013989, OMIM 614959.

Allele frequency attached by ClinVar (database versions not stated): gnomAD 0.00001; gnomAD exomes 0.00002; TOPMed 0.00002; ExAC 0.00005.
gnomAD v4.1: 31 of 1,605,714 alleles (0.0019%); highest among the groups gnomAD compares: Non-Finnish European, 0.0024%; no homozygotes.

Submissions (2):

Labcorp Genetics (formerly Invitae), Labcorp
Classification: Uncertain significance for Autosomal dominant nocturnal frontal lobe epilepsy 5; Developmental and epileptic encephalopathy, 14. Last evaluated: 2024-10-27. Review status: criteria provided, single submitter. Criteria: Invitae Variant Classification Sherloc (09022015). Collection method: clinical testing. Allele origin: germline.
Comment: This sequence change replaces serine, which is neutral and polar, with leucine, which is neutral and non-polar, at codon 1223 of the KCNT1 protein (p.Ser1223Leu). This variant is present in population databases (rs779379200, gnomAD 0.005%). This variant has not been reported in the literature in individuals affected with KCNT1-related conditions. ClinVar contains an entry for this variant (Variation ID: 590118). Invitae Evidence Modeling of protein sequence and biophysical properties (such as structural, functional, and spatial information, amino acid conservation, physicochemical variation, residue mobility, and thermodynamic stability) indicates that this missense variant is not expected to disrupt KCNT1 protein function with a negative predictive value of 95%. In summary, the available evidence is currently insufficient to determine the role of this variant in disease. Therefore, it has been classified as a Variant of Uncertain Significance.

Ambry Genetics
Classification: Likely benign for Inborn genetic diseases. Last evaluated: 2017-07-28. Review status: criteria provided, single submitter. Criteria: Ambry Variant Classification Scheme 2023. Collection method: clinical testing. Allele origin: germline.

NM_020822.3(KCNT1):c.3668C>T (p.Ser1223Leu)

Gene: KCNT1 (potassium sodium-activated channel subfamily T member 1; plus strand). Cytogenetic location: 9q34.3.
Variant type: single nucleotide variant.
Coding change: c.3668C>T on transcript NM_020822.3 (MANE Select); coding-DNA position 3668, C replaced by T.
Protein change: p.Ser1223Leu; replaces serine 1223 with leucine.
Molecular consequence: missense variant.
Genome position (GRCh38, 1-based): chr9:135,792,121, C>T. VCF-style: chr9-135792121-C-T. GRCh37 (hg19) VCF-style: chr9-138683967-C-T.
Other names: c.3596C>T, p.Ser1199Leu (NM_001272003.2); short protein forms S1223L, S1199L.
Identifiers: ClinVar variation 590118 (VCV000590118.11), dbSNP rs779379200, ClinGen allele CA5328014.